The following is an entry in ClinVar:

NM_005219.5(DIAPH1):c.3526C>T (p.Arg1176Trp)

Gene: DIAPH1 (diaphanous related formin 1; minus strand). Cytogenetic location: 5q31.3.
Variant type: single nucleotide variant.
Coding change: c.3526C>T on transcript NM_005219.5 (MANE Select); coding-DNA position 3526, C replaced by T.
Protein change: p.Arg1176Trp; replaces arginine 1176 with tryptophan.
Molecular consequence: missense variant.
Genome position (GRCh38, 1-based): chr5:141,526,086, G>A on the plus strand (C>T on the coding strand, the complement: DIAPH1 is on the minus strand). VCF-style: chr5-141526086-G-A. GRCh37 (hg19) VCF-style: chr5-140905653-G-A.
Other names: c.3499C>T, p.Arg1167Trp (NM_001079812.3); c.3526C>T, p.Arg1176Trp (NM_001314007.2); short protein forms R1176W, R1167W.
Identifiers: ClinVar variation 228576 (VCV000228576.7), dbSNP rs763106782, ClinGen allele CA3478768.

ClinVar aggregate classification (germline): Uncertain significance. Review status: criteria provided, multiple submitters, no conflicts (2 of 4 stars). 2 submissions from 2 submitters: Uncertain significance (2). Last evaluated 2025-04-26.

Conditions:
Autosomal dominant nonsyndromic hearing loss 1. Also called: KONIGSMARK SYNDROME; DEAFNESS, AUTOSOMAL DOMINANT 1, WITH OR WITHOUT THROMBOCYTOPENIA. Identifiers: Orphanet 90635, MedGen C1852282, MONDO:0007424, OMIM 124900.
Progressive microcephaly-seizures-cortical blindness-developmental delay syndrome. Also called: Seizures, cortical blindness, and microcephaly syndrome. Identifiers: Orphanet 477814, MedGen C5567650, MONDO:0014714, OMIM 616632.

Allele frequency attached by ClinVar (database versions not stated): gnomAD exomes below 0.00001; ExAC 0.00001.
gnomAD v4.1: 5 of 1,613,924 alleles (0.00031%); highest among the groups gnomAD compares: South Asian, 0.0011%; no homozygotes.

Submissions (2):

Labcorp Genetics (formerly Invitae), Labcorp
Classification: Uncertain significance for Progressive microcephaly-seizures-cortical blindness-developmental delay syndrome; Autosomal dominant nonsyndromic hearing loss 1. Last evaluated: 2025-04-26. Review status: criteria provided, single submitter. Criteria: Invitae Variant Classification Sherloc (09022015). Collection method: clinical testing. Allele origin: germline.
Comment: This sequence change replaces arginine, which is basic and polar, with tryptophan, which is neutral and slightly polar, at codon 1176 of the DIAPH1 protein (p.Arg1176Trp). This variant is not present in population databases (gnomAD no frequency). This variant has not been reported in the literature in individuals affected with DIAPH1-related conditions. ClinVar contains an entry for this variant (Variation ID: 228576). An algorithm developed to predict the effect of missense changes on protein structure and function (PolyPhen-2) suggests that this variant is likely to be disruptive. In summary, the available evidence is currently insufficient to determine the role of this variant in disease. Therefore, it has been classified as a Variant of Uncertain Significance.

Laboratory for Molecular Medicine, Mass General Brigham Personalized Medicine
Classification: Uncertain significance. Last evaluated: 2016-03-29. Review status: criteria provided, single submitter. Criteria: LMM Criteria. Collection method: clinical testing. Allele origin: germline. Observed: 1 variant allele.
Comment: The p.Arg1176Trp variant in DIAPH1 has not been previously reported in individua ls with hearing loss. This variant has been identified in 1/16512 South Asian ch romosomes by the Exome Aggregation Consortium (ExAC. org; dbSNP rs763106782). Computational prediction tools and conservation analyse s suggest that the p.Arg1176Trp variant may impact the protein, though this info rmation is not predictive enough to determine pathogenicity. In summary, the cli nical significance of the p.Arg1176Trp variant is uncertain.